The following is an entry in ClinVar:

NM_015267.4(CUX2):c.504C>T (p.Pro168=)

Gene: CUX2 (cut like homeobox 2; plus strand). Cytogenetic location: 12q24.11.
Variant type: single nucleotide variant.
Coding change: c.504C>T on transcript NM_015267.4 (MANE Select); coding-DNA position 504, C replaced by T.
Protein change: p.Pro168=; no amino-acid change (proline 168 retained).
Molecular consequence: synonymous variant.
Genome position (GRCh38, 1-based): chr12:111,293,513, C>T. VCF-style: chr12-111293513-C-T. GRCh37 (hg19) VCF-style: chr12-111731317-C-T.
Other names: c.318C>T, p.Pro106= (NM_001370598.1); c.504C>T (NM_015267.3).
Identifiers: ClinVar variation 2570846 (VCV002570846.28), dbSNP rs770668506, ClinGen allele CA6788382.
Genomic context (GRCh38, chr12:111,293,513, plus strand): 5'-AGAGGGGACGTCGCCTGCCGGGCCCACGCTGACCGAGGGAAGCCGCCTCCCAGGCATTCC[C>T]GGGAAAGCCCTCCTGACAGAAACCTTGCTGCAGAGAAATGAGGCGGAAAAACAAAAGTGA-3'
Protein context (NP_056082.2, residues 158-178): LTEGSRLPGI[Pro168=]GKALLTETLL

ClinVar aggregate classification (germline): Likely benign. Review status: criteria provided, single submitter (1 of 4 stars). 2 submissions from 2 submitters: Likely benign (1). 1 of the submissions does not count toward it. Last evaluated 2023-06-01.

Conditions:
CUX2-related disorder. Also called: CUX2-related condition.

Allele frequency attached by ClinVar (database versions not stated): TOPMed 0.00003; ExAC 0.00006; gnomAD 0.00006.
gnomAD v4.1: 66 of 1,604,144 alleles (0.0041%); highest among the groups gnomAD compares: Middle Eastern, 0.02%; no homozygotes.

Submissions (2):

CeGaT Center for Human Genetics Tuebingen
Classification: Likely benign. Last evaluated: 2023-06-01. Review status: criteria provided, single submitter. Criteria: CeGaT Center For Human Genetics Tuebingen Variant Classification Criteria Version 2. Collection method: clinical testing. Allele origin: germline. Affected: yes. Observed: 1 variant allele.
Comment: CUX2: BP4, BP7

PreventionGenetics, part of Exact Sciences
Classification: Likely benign for CUX2-related condition. Last evaluated: 2019-08-21. Review status: no assertion criteria provided. Collection method: clinical testing. Allele origin: germline. Not counted in ClinVar's aggregate classification.
Comment: This variant is classified as likely benign based on ACMG/AMP sequence variant interpretation guidelines (Richards et al. 2015 PMID: 25741868, with internal and published modifications).